The following is an entry in ClinVar:

ClinVar aggregate classification (germline): Uncertain significance (1 of 4 stars; one submission).

Conditions:
Early-infantile DEE. Also called: Ohtahara syndrome; Early infantile epileptic encephalopathy with suppression bursts; Early infantile epileptic encephalopathy. Identifiers: Orphanet 1934, MedGen C0393706, MONDO:0800491.

Submission:

Labcorp Genetics (formerly Invitae), Labcorp
Classification: Uncertain significance for Early-infantile DEE. Last evaluated: 2022-01-22. Review status: criteria provided, single submitter. Criteria: Invitae Variant Classification Sherloc (09022015). Collection method: clinical testing. Allele origin: germline.
Comment: This sequence change replaces alanine, which is neutral and non-polar, with glutamic acid, which is acidic and polar, at codon 870 of the SCN1A protein (p.Ala870Glu). This variant is not present in population databases (gnomAD no frequency). This variant has not been reported in the literature in individuals affected with SCN1A-related conditions. Advanced modeling of protein sequence and biophysical properties (such as structural, functional, and spatial information, amino acid conservation, physicochemical variation, residue mobility, and thermodynamic stability) performed at Invitae indicates that this missense variant is expected to disrupt SCN1A protein function. In summary, the available evidence is currently insufficient to determine the role of this variant in disease. Therefore, it has been classified as a Variant of Uncertain Significance.

NM_001165963.4(SCN1A):c.2609C>A (p.Ala870Glu)

Gene: SCN1A (sodium voltage-gated channel alpha subunit 1; minus strand). Cytogenetic location: 2q24.3.
Variant type: single nucleotide variant.
Coding change: c.2609C>A on transcript NM_001165963.4 (MANE Select); coding-DNA position 2609, C replaced by A.
Protein change: p.Ala870Glu; replaces alanine 870 with glutamic acid.
Molecular consequence: missense variant. On other transcripts: non-coding transcript variant (1).
Genome position (GRCh38, 1-based): chr2:166,038,113, G>T on the plus strand (C>A on the coding strand, the complement: SCN1A is on the minus strand). VCF-style: chr2-166038113-G-T. GRCh37 (hg19) VCF-style: chr2-166894623-G-T.
Other names: c.2609C>A, p.Ala870Glu (NM_001202435.3, NM_001353948.2); c.2576C>A, p.Ala859Glu (NM_001353949.2, NM_001353950.2, NM_001353951.2 and 2 more transcripts); c.2573C>A, p.Ala858Glu (NM_001353954.2, NM_001353955.2); c.2525C>A, p.Ala842Glu (NM_001353957.2, NM_001353958.2, NM_001165964.3); c.2522C>A, p.Ala841Glu (NM_001353960.2); c.167C>A, p.Ala56Glu (NM_001353961.2); short protein forms A858E, A56E, A842E, A841E, A859E, A870E.
Identifiers: ClinVar variation 2089082 (VCV002089082.4), dbSNP rs2468100956, ClinGen allele CA349061760.